The following is an entry in ClinVar:

NM_001040108.2(MLH3):c.2066C>T (p.Ala689Val)

Gene: MLH3 (mutL homolog 3; minus strand). Cytogenetic location: 14q24.3.
Variant type: single nucleotide variant.
Coding change: c.2066C>T on transcript NM_001040108.2 (MANE Select); coding-DNA position 2066, C replaced by T.
Protein change: p.Ala689Val; replaces alanine 689 with valine.
Molecular consequence: missense variant.
Genome position (GRCh38, 1-based): chr14:75,047,590, G>A on the plus strand (C>T on the coding strand, the complement: MLH3 is on the minus strand). VCF-style: chr14-75047590-G-A. GRCh37 (hg19) VCF-style: chr14-75514293-G-A.
Other names: c.2066C>T, p.Ala689Val (NM_014381.3); short protein forms A689V.
Identifiers: ClinVar variation 3232471 (VCV003232471.1), dbSNP rs2139570681, ClinGen allele CA390443198.

ClinVar aggregate classification (germline): Uncertain significance (1 of 4 stars; one submission).

Submission:

Ambry Genetics
Classification: Uncertain significance. Last evaluated: 2023-10-22. Review status: criteria provided, single submitter. Criteria: Ambry Variant Classification Scheme 2023. Collection method: clinical testing. Allele origin: germline.
Comment: The p.A689V variant (also known as c.2066C>T), located in coding exon 1 of the MLH3 gene, results from a C to T substitution at nucleotide position 2066. The alanine at codon 689 is replaced by valine, an amino acid with similar properties. This amino acid position is conserved. In addition, this alteration is predicted to be tolerated by in silico analysis. Since supporting evidence is limited at this time, the clinical significance of this alteration remains unclear.